The following is an entry in ClinVar:

NM_000719.7(CACNA1C):c.5361G>A (p.Thr1787=)

Genes: CACNA1C-AS1 (CACNA1C antisense RNA 1; minus strand), CACNA1C (calcium voltage-gated channel subunit alpha1 C; plus strand). Cytogenetic location: 12p13.33.
Variant type: single nucleotide variant.
Coding change: c.5361G>A on transcript NM_000719.7 (MANE Select); coding-DNA position 5361, G replaced by A.
Protein change: p.Thr1787=; no amino-acid change (threonine 1787 retained).
Molecular consequence: synonymous variant.
Genome position (GRCh38, 1-based): chr12:2,679,713, G>A. VCF-style: chr12-2679713-G-A. GRCh37 (hg19) VCF-style: chr12-2788879-G-A.
Other names: p.T1787T:ACG>ACA; p.Thr1787=; c.5505G>A, p.Thr1835= (NM_001129827.2, NM_199460.4); c.5484G>A, p.Thr1828= (NM_001129829.2); c.5361G>A, p.Thr1787= (NM_001129830.3, NM_001129840.2, NM_001129841.2 and 4 more transcripts); c.5445G>A, p.Thr1815= (NM_001129831.2); c.5421G>A, p.Thr1807= (NM_001129832.2); c.5418G>A, p.Thr1806= (NM_001129833.2, NM_001129834.2, NM_001129835.2); and 6 more.
Identifiers: ClinVar variation 93413 (VCV000093413.29), dbSNP rs1051375, ClinGen allele CA285398.

ClinVar aggregate classification (germline): Benign. Review status: criteria provided, multiple submitters, no conflicts (2 of 4 stars). 12 submissions from 12 submitters: Benign (10). 2 of the submissions do not count toward it. Last evaluated 2026-02-04.

Conditions:
Cardiovascular phenotype. Identifiers: MedGen CN230736.
Long QT syndrome (LQTS). Identifiers: MedGen C0023976, MeSH D008133, MONDO:0002442. Disease mechanism: loss of function. Inheritance: Various modes of inheritance.
Timothy syndrome (TS). Also called: LONG QT SYNDROME WITH SYNDACTYLY. Identifiers: Orphanet 65283, MedGen C1832916, MeSH C536962, MONDO:0010979, OMIM 601005.

Allele frequency attached by ClinVar (database versions not stated): 1000 Genomes Project 30x 0.52030; 1000 Genomes Project 0.52636; TOPMed 0.55273; gnomAD 0.57002 and 0.57705; ESP Exome Variant Server 0.58112; gnomAD exomes 0.67750 and 0.70781; ExAC 0.69528.
gnomAD v4.1: 1,116,469 of 1,608,514 alleles (69%); highest among the groups gnomAD compares: Non-Finnish European, 73%; 398,256 homozygotes.

Submissions (12):

Labcorp Genetics (formerly Invitae), Labcorp
Classification: Benign for Long QT syndrome. Last evaluated: 2026-02-04. Review status: criteria provided, single submitter. Criteria: Invitae Variant Classification Sherloc (09022015). Collection method: clinical testing. Allele origin: germline.

Molecular Diagnostic Laboratory for Inherited Cardiovascular Disease, Montreal Heart Institute
Classification: Benign. Last evaluated: 2025-04-09. Review status: criteria provided, single submitter. Criteria: ACMG Guidelines, 2015. Collection method: clinical testing. Allele origin: germline. Affected: no.

Blueprint Genetics
Classification: Benign. Last evaluated: 2024-11-27. Review status: criteria provided, single submitter. Criteria: ACMG Guidelines, 2015. Collection method: clinical testing. Allele origin: germline.

Genome-Nilou Lab
Classification: Benign for Timothy syndrome. Last evaluated: 2021-07-14. Review status: criteria provided, single submitter. Criteria: ACMG Guidelines, 2015. Collection method: clinical testing. Allele origin: germline. Affected: no.

Ambry Genetics
Classification: Benign for Cardiovascular phenotype. Last evaluated: 2015-09-04. Review status: criteria provided, single submitter. Criteria: Ambry Variant Classification Scheme 2023. Collection method: clinical testing. Allele origin: germline.

Mayo Clinic Laboratories, Mayo Clinic
Classification: Benign. Last evaluated: 2014-12-10. Review status: criteria provided, single submitter. Criteria: ACMG Guidelines, 2015. Collection method: clinical testing. Allele origin: germline. Observed: 975 variant alleles.

Eurofins Ntd Llc (ga)
Classification: Benign. Last evaluated: 2014-05-13. Review status: criteria provided, single submitter. Criteria: EGL Classification Definitions 2015. Collection method: clinical testing. Allele origin: germline. Observed: 21 variant alleles, 6 heterozygotes, 15 homozygotes.

GeneDx
Classification: Benign. Last evaluated: 2011-07-10. Review status: criteria provided, single submitter. Criteria: GeneDx Variant Classification (06012015). Collection method: clinical testing. Allele origin: germline. Affected: yes.
Comment: This variant is considered likely benign or benign based on one or more of the following criteria: it is a conservative change, it occurs at a poorly conserved position in the protein, it is predicted to be benign by multiple in silico algorithms, and/or has population frequency not consistent with disease.

Breakthrough Genomics
Classification: Benign. Review status: criteria provided, single submitter. Criteria: ACMG Guidelines, 2015. Collection method: not provided. Allele origin: germline. Inheritance: Autosomal dominant inheritance. Affected: yes.

PreventionGenetics, part of Exact Sciences
Classification: Benign. Review status: criteria provided, single submitter. Criteria: ACMG Guidelines, 2015. Collection method: clinical testing. Allele origin: germline.

Clinical Genetics, Academic Medical Center
Classification: Benign. Review status: no assertion criteria provided. Collection method: clinical testing. Allele origin: germline. Affected: yes. Study: VKGL Data-share Consensus. Not counted in ClinVar's aggregate classification.

Diagnostic Laboratory, Department of Genetics, University Medical Center Groningen
Classification: Benign. Review status: no assertion criteria provided. Collection method: clinical testing. Allele origin: germline. Affected: yes. Study: VKGL Data-share Consensus. Not counted in ClinVar's aggregate classification.